The following is an entry in ClinVar:

ClinVar aggregate classification (germline): Likely benign. Review status: criteria provided, multiple submitters, no conflicts (2 of 4 stars). 2 submissions from 2 submitters: Likely benign (2). Last evaluated 2026-06-01.

Conditions:
Early-infantile DEE. Also called: Early infantile epileptic encephalopathy; Ohtahara syndrome; Early infantile epileptic encephalopathy with suppression bursts. Identifiers: Orphanet 1934, MedGen C0393706, MONDO:0800491.

Allele frequency attached by ClinVar (database versions not stated): gnomAD exomes below 0.00001; gnomAD 0.00001; TOPMed 0.00002; ExAC below 0.00001.
gnomAD v4.1: 13 of 1,605,320 alleles (0.00081%); highest among the groups gnomAD compares: Non-Finnish European, 0.0011%; no homozygotes.

Submissions (2):

CeGaT Center for Human Genetics Tuebingen
Classification: Likely benign. Last evaluated: 2026-06-01. Review status: criteria provided, single submitter. Criteria: CeGaT Center For Human Genetics Tuebingen Variant Classification Criteria Version 2. Collection method: clinical testing. Allele origin: germline. Affected: yes. Observed: 1 variant allele.
Comment: SCN8A: BS2

Labcorp Genetics (formerly Invitae), Labcorp
Classification: Likely benign for Early-infantile DEE. Last evaluated: 2023-03-18. Review status: criteria provided, single submitter. Criteria: Invitae Variant Classification Sherloc (09022015). Collection method: clinical testing. Allele origin: germline.

NM_001330260.2(SCN8A):c.1666C>G (p.Leu556Val)

Gene: SCN8A (sodium voltage-gated channel alpha subunit 8; plus strand). Cytogenetic location: 12q13.13.
Variant type: single nucleotide variant.
Coding change: c.1666C>G on transcript NM_001330260.2 (MANE Select); coding-DNA position 1666, C replaced by G.
Protein change: p.Leu556Val; replaces leucine 556 with valine.
Molecular consequence: missense variant.
Genome position (GRCh38, 1-based): chr12:51,721,576, C>G. VCF-style: chr12-51721576-C-G. GRCh37 (hg19) VCF-style: chr12-52115360-C-G.
Other names: c.1666C>G, p.Leu556Val (NM_001177984.3, NM_001369788.1, NM_014191.4); short protein forms L556V.
Identifiers: ClinVar variation 833938 (VCV000833938.12), dbSNP rs773118948, ClinGen allele CA6571304.